The following is an entry in ClinVar:

ClinVar aggregate classification (germline): Uncertain significance (1 of 4 stars; one submission).

Allele frequency attached by ClinVar (database versions not stated): ExAC 0.00001; gnomAD exomes 0.00001.
gnomAD v4.1: 17 of 1,614,180 alleles (0.0011%); highest among the groups gnomAD compares: Non-Finnish European, 0.0013%; no homozygotes.

Submission:

Labcorp Genetics (formerly Invitae), Labcorp
Classification: Uncertain significance. Last evaluated: 2021-08-31. Review status: criteria provided, single submitter. Criteria: Invitae Variant Classification Sherloc (09022015). Collection method: clinical testing. Allele origin: germline.
Comment: This sequence change replaces asparagine with aspartic acid at codon 503 of the EIF2AK3 protein (p.Asn503Asp). The asparagine residue is weakly conserved and there is a small physicochemical difference between asparagine and aspartic acid. This variant is present in population databases (rs768630246, ExAC 0.001%). This variant has not been reported in the literature in individuals affected with EIF2AK3-related conditions. Algorithms developed to predict the effect of missense changes on protein structure and function (SIFT, PolyPhen-2, Align-GVGD) all suggest that this variant is likely to be tolerated. In summary, the available evidence is currently insufficient to determine the role of this variant in disease. Therefore, it has been classified as a Variant of Uncertain Significance.

NM_004836.7(EIF2AK3):c.1507A>G (p.Asn503Asp)

Gene: EIF2AK3 (eukaryotic translation initiation factor 2 alpha kinase 3; minus strand). Cytogenetic location: 2p11.2.
Variant type: single nucleotide variant.
Coding change: c.1507A>G on transcript NM_004836.7 (MANE Select); coding-DNA position 1507, A replaced by G.
Protein change: p.Asn503Asp; replaces asparagine 503 with aspartic acid.
Molecular consequence: missense variant.
Genome position (GRCh38, 1-based): chr2:88,585,984, T>C on the plus strand (A>G on the coding strand, the complement: EIF2AK3 is on the minus strand). VCF-style: chr2-88585984-T-C. GRCh37 (hg19) VCF-style: chr2-88885502-T-C.
Other names: c.1054A>G, p.Asn352Asp (NM_001313915.2); short protein forms N352D, N503D.
Identifiers: ClinVar variation 1470294 (VCV001470294.3), dbSNP rs768630246, ClinGen allele CA1754677.